The following is an entry in ClinVar:

ClinVar aggregate classification (germline): Uncertain significance (1 of 4 stars; one submission).

Conditions:
Chédiak-Higashi syndrome (CHS). Also called: Chediak-Higashi Syndrome. Identifiers: Orphanet 167, MedGen C0007965, MONDO:0008963, OMIM 214500.

Allele frequency attached by ClinVar (database versions not stated): gnomAD 0.00001.
gnomAD v4.1: 1 of 1,613,116 alleles (0.000062%); highest among the groups gnomAD compares: Non-Finnish European, 0.000085%; no homozygotes.

Submission:

Labcorp Genetics (formerly Invitae), Labcorp
Classification: Uncertain significance for Chédiak-Higashi syndrome. Last evaluated: 2025-03-31. Review status: criteria provided, single submitter. Criteria: Invitae Variant Classification Sherloc (09022015). Collection method: clinical testing. Allele origin: germline.
Comment: This sequence change replaces valine, which is neutral and non-polar, with leucine, which is neutral and non-polar, at codon 2072 of the LYST protein (p.Val2072Leu). This variant is not present in population databases (gnomAD no frequency). This variant has not been reported in the literature in individuals affected with LYST-related conditions. ClinVar contains an entry for this variant (Variation ID: 1499476). Invitae Evidence Modeling of protein sequence and biophysical properties (such as structural, functional, and spatial information, amino acid conservation, physicochemical variation, residue mobility, and thermodynamic stability) indicates that this missense variant is not expected to disrupt LYST protein function with a negative predictive value of 80%. In summary, the available evidence is currently insufficient to determine the role of this variant in disease. Therefore, it has been classified as a Variant of Uncertain Significance.

NM_000081.4(LYST):c.6214G>C (p.Val2072Leu)

Gene: LYST (lysosomal trafficking regulator; minus strand). Cytogenetic location: 1q42.3.
Variant type: single nucleotide variant.
Coding change: c.6214G>C on transcript NM_000081.4 (MANE Select); coding-DNA position 6214, G replaced by C.
Protein change: p.Val2072Leu; replaces valine 2072 with leucine.
Molecular consequence: missense variant.
Genome position (GRCh38, 1-based): chr1:235,762,759, C>G on the plus strand (G>C on the coding strand, the complement: LYST is on the minus strand). VCF-style: chr1-235762759-C-G. GRCh37 (hg19) VCF-style: chr1-235926059-C-G.
Other names: c.6214G>C, p.Val2072Leu (NM_001301365.1); short protein forms V2072L.
Identifiers: ClinVar variation 1499476 (VCV001499476.6), dbSNP rs1203690432, ClinGen allele CA344944905.